The following is an entry in ClinVar:

ClinVar aggregate classification (germline): Pathogenic. Review status: criteria provided, single submitter (1 of 4 stars). 2 submissions from 2 submitters: Pathogenic (1). 1 of the submissions does not count toward it. Last evaluated 2025-04-22.

Conditions:
Tuberous sclerosis 1 (TSC1). Identifiers: Orphanet 805, MedGen C1854465, MONDO:0008612, OMIM 191100.
Tuberous sclerosis syndrome (TSC). Also called: Tuberous Sclerosis Complex; Tuberous sclerosis. Identifiers: Orphanet 805, MedGen C0041341, MONDO:0001734.

Submissions (2):

Labcorp Genetics (formerly Invitae), Labcorp
Classification: Pathogenic for Tuberous sclerosis 1. Last evaluated: 2025-04-22. Review status: criteria provided, single submitter. Criteria: Invitae Variant Classification Sherloc (09022015). Collection method: clinical testing. Allele origin: germline.
Comment: This sequence change creates a premature translational stop signal (p.Asn891Lysfs*41) in the TSC1 gene. It is expected to result in an absent or disrupted protein product. Loss-of-function variants in TSC1 are known to be pathogenic (PMID: 10227394, 17304050). This variant is not present in population databases (gnomAD no frequency). This variant has not been reported in the literature in individuals affected with TSC1-related conditions. ClinVar contains an entry for this variant (Variation ID: 48988). For these reasons, this variant has been classified as Pathogenic.

Tuberous sclerosis database (TSC1)
No classification provided. Condition: TSC. Review status: no classification provided. Criteria: Tuberous Sclerosis Database Assertion Criteria 2015. Collection method: curation. Allele origin: germline. Affected: yes. Not counted in ClinVar's aggregate classification.

Literature cited by the submitters: PubMed 10227394 (cited by Labcorp Genetics (formerly Invitae), Labcorp); PubMed 17304050 (cited by Labcorp Genetics (formerly Invitae), Labcorp).

NM_000368.5(TSC1):c.2671_2672dup (p.Asn891fs)

Gene: TSC1 (TSC complex subunit 1; minus strand). Cytogenetic location: 9q34.13.
Variant type: Duplication.
Coding change: c.2671_2672dup on transcript NM_000368.5 (MANE Select); coding-DNA positions 2671 to 2672, 2 bases duplicated (AA; older notation c.2671_2672dupAA).
Protein change: p.Asn891fs; shifts the reading frame from asparagine 891.
Molecular consequence: frameshift variant.
Genome position (GRCh38, 1-based): chr9:132,897,564-132,897,565, TT duplicated on the plus strand (AA on the coding strand, the reverse complement: TSC1 is on the minus strand); duplicating any 2 consecutive bases within chr9:132,897,564-132,897,570 gives the same sequence; the c. name uses the placement nearest the transcript's 3' end. VCF-style (leftmost placement, unchanged base first): chr9-132897563-G-GTT. GRCh37 (hg19) VCF-style: chr9-135772950-G-GTT.
Other names: c.2668_2669dup, p.Asn890fs (NM_001162426.2); c.2518_2519dup, p.Asn840fs (NM_001162427.2); c.2308_2309dup, p.Asn770fs (NM_001362177.2); short protein forms N840fs, N770fs, N890fs, N891fs.
Identifiers: ClinVar variation 48988 (VCV000048988.7), dbSNP rs118203724, ClinGen allele CA262309.